The following is an entry in ClinVar:

NM_000094.4(COL7A1):c.5387A>G (p.Asn1796Ser)

Gene: COL7A1 (collagen type VII alpha 1 chain; minus strand). Cytogenetic location: 3p21.31.
Variant type: single nucleotide variant.
Coding change: c.5387A>G on transcript NM_000094.4 (MANE Select); coding-DNA position 5387, A replaced by G.
Protein change: p.Asn1796Ser; replaces asparagine 1796 with serine.
Molecular consequence: missense variant.
Genome position (GRCh38, 1-based): chr3:48,579,198, T>C on the plus strand (A>G on the coding strand, the complement: COL7A1 is on the minus strand). VCF-style: chr3-48579198-T-C. GRCh37 (hg19) VCF-style: chr3-48616631-T-C.
Other names: short protein forms N1796S.
Identifiers: ClinVar variation 991825 (VCV000991825.5), dbSNP rs973076467, ClinGen allele CA73978625.
Genomic context (GRCh38, chr3:48,579,198, plus strand): 5'-GGGTCCTCATGTGAAGGGGTAGGGGAAGGGGACAACCAGGCAGGACTACCAAGACTCACA[T>C]TCGGCCCAGAGGGCCCAGCGGCTCCTGGTTTCCCATCCAGTCCGCTCCGGCCATCCAGCC-3'
Protein context (NP_000085.1, residues 1786-1806): KPGAAGPSGP[Asn1796Ser]GAAGKAGDPG

ClinVar aggregate classification (germline): Uncertain significance. Review status: criteria provided, single submitter (1 of 4 stars). 2 submissions from 2 submitters: Uncertain significance (1). 1 of the submissions does not count toward it. Last evaluated 2025-07-25.

Conditions:
Epidermolysis bullosa dystrophica inversa, autosomal recessive. Identifiers: MedGen C2673612.

Allele frequency attached by ClinVar (database versions not stated): gnomAD exomes 0.00001; TOPMed 0.00002.
gnomAD v4.1: 10 of 1,613,304 alleles (0.00062%); highest among the groups gnomAD compares: Admixed American, 0.005%; no homozygotes.

Submissions (2):

Labcorp Genetics (formerly Invitae), Labcorp
Classification: Uncertain significance. Last evaluated: 2025-07-25. Review status: criteria provided, single submitter. Criteria: Invitae Variant Classification Sherloc (09022015). Collection method: clinical testing. Allele origin: germline.
Comment: This sequence change replaces asparagine, which is neutral and polar, with serine, which is neutral and polar, at codon 1796 of the COL7A1 protein (p.Asn1796Ser). This variant is present in population databases (no rsID available, gnomAD 0.003%). This variant has not been reported in the literature in individuals affected with COL7A1-related conditions. ClinVar contains an entry for this variant (Variation ID: 991825). Experimental studies and prediction algorithms are not available or were not evaluated, and the functional significance of this variant is currently unknown. In summary, the available evidence is currently insufficient to determine the role of this variant in disease. Therefore, it has been classified as a Variant of Uncertain Significance.

Natera, Inc.
Classification: Uncertain significance for Autosomal recessive epidermolysis bullosa dystrophica inversa. Last evaluated: 2020-08-14. Review status: no assertion criteria provided. Collection method: clinical testing. Allele origin: germline. Not counted in ClinVar's aggregate classification.